The following is an entry in ClinVar:

NM_000051.4(ATM):c.6433G>T (p.Glu2145Ter)

Genes: ATM (ATM serine/threonine kinase; plus strand), C11orf65 (chromosome 11 open reading frame 65; minus strand). Cytogenetic location: 11q22.3.
Variant type: single nucleotide variant.
Coding change: c.6433G>T on transcript NM_000051.4 (MANE Select); coding-DNA position 6433, G replaced by T.
Protein change: p.Glu2145Ter; replaces glutamic acid 2145 with a stop codon.
Molecular consequence: nonsense. On other transcripts: intron variant (2).
Genome position (GRCh38, 1-based): chr11:108,320,039, G>T. VCF-style: chr11-108320039-G-T. GRCh37 (hg19) VCF-style: chr11-108190766-G-T.
Other names: c.6433G>T, p.Glu2145Ter (NM_001351834.2); c.641-10968C>A (NM_001330368.2); c.*39-10968C>A (NM_001351110.2); short protein forms E2145*.
Identifiers: ClinVar variation 2721465 (VCV002721465.3), dbSNP rs2136221943, ClinGen allele CA382553563.

ClinVar aggregate classification (germline): Pathogenic (1 of 4 stars; one submission).

Conditions:
Ataxia-telangiectasia syndrome (AT). Also called: LOUIS-BAR SYNDROME; Cerebello-oculocutaneous telangiectasia; Immunodeficiency with ataxia telangiectasia; Ataxia telangiectasia (A-T); Ataxia-telangiectasia, complementation group D; AT, COMPLEMENTATION GROUP C. Identifiers: Orphanet 100, MedGen C0004135, MONDO:0008840, OMIM 208900.

Submission:

Labcorp Genetics (formerly Invitae), Labcorp
Classification: Pathogenic for Ataxia-telangiectasia syndrome. Last evaluated: 2023-08-10. Review status: criteria provided, single submitter. Criteria: Invitae Variant Classification Sherloc (09022015). Collection method: clinical testing. Allele origin: germline.
Comment: This sequence change creates a premature translational stop signal (p.Glu2145*) in the ATM gene. It is expected to result in an absent or disrupted protein product. Loss-of-function variants in ATM are known to be pathogenic (PMID: 23807571, 25614872). This variant is not present in population databases (gnomAD no frequency). This variant has not been reported in the literature in individuals affected with ATM-related conditions. For these reasons, this variant has been classified as Pathogenic.

Literature cited by the submitters: PubMed 23807571; PubMed 25614872.